The following is an entry in ClinVar:

NM_001351132.2(PEX5):c.147+6T>C

Gene: PEX5 (peroxisomal biogenesis factor 5; plus strand). Cytogenetic location: 12p13.31.
Variant type: single nucleotide variant.
Coding change: c.147+6T>C on transcript NM_001351132.2 (MANE Select); 6 bases into the intron after coding-DNA position 147, T replaced by C.
Molecular consequence: intron variant. On other transcripts: synonymous variant (3).
Genome position (GRCh38, 1-based): chr12:7,190,530, T>C. VCF-style: chr12-7190530-T-C. GRCh37 (hg19) VCF-style: chr12-7343126-T-C.
Other names: c.153T>C, p.Ser51= (NM_001131023.2, NM_001351135.3, NM_001351138.2); c.147+6T>C (NM_001351124.3, NM_001131026.2, NM_001351131.2 and 19 more transcripts).
Identifiers: ClinVar variation 1442062 (VCV001442062.6), dbSNP rs2135881175, ClinGen allele CA478185305.
Genomic context (GRCh38, chr12:7,190,530, plus strand): 5'-GCAGGAGGGATTGAGGCCTGGCCCCTGGCCCCCCGGAGCCCCGGCCTCTGAGGCAGTGAG[T>C]GTTCTTGAGGTGGAAAGCCCAGGTGCAGCCTCTGAGGCAGTGAGTGTTCTTGAGGTGGAA-3'

ClinVar aggregate classification (germline): Uncertain significance (1 of 4 stars; one submission).

Conditions:
Peroxisome biogenesis disorder 2B (PBD2B). Identifiers: Orphanet 44, MedGen C3550234, MONDO:0008736, OMIM 202370.

Submission:

Labcorp Genetics (formerly Invitae), Labcorp
Classification: Uncertain significance for Peroxisome biogenesis disorder 2B. Last evaluated: 2021-10-10. Review status: criteria provided, single submitter. Criteria: Invitae Variant Classification Sherloc (09022015). Collection method: clinical testing. Allele origin: germline.
Comment: In summary, the available evidence is currently insufficient to determine the role of this variant in disease. Therefore, it has been classified as a Variant of Uncertain Significance. Variants that disrupt the consensus splice site are a relatively common cause of aberrant splicing (PMID: 17576681, 9536098). Algorithms developed to predict the effect of sequence changes on RNA splicing suggest that this variant may disrupt the consensus splice site. This variant has not been reported in the literature in individuals affected with PEX5-related conditions. This variant is not present in population databases (ExAC no frequency). This sequence change falls in intron 2 of the PEX5 gene. It does not directly change the encoded amino acid sequence of the PEX5 protein. It affects a nucleotide within the consensus splice site.

Literature cited by the submitters: PubMed 17576681; PubMed 9536098.